The following continues an entry in ClinVar:

NM_000218.3(KCNQ1):c.569G>T (p.Arg190Leu)

Gene: KCNQ1. ClinVar aggregate classification (germline): Pathogenic/Likely pathogenic. Pathogenic (7); Likely pathogenic (6).

Submissions 9 to 14 of 14:

Victorian Clinical Genetics Services, Murdoch Childrens Research Institute
Classification: Pathogenic for Long QT syndrome 1. Last evaluated: 2022-09-02. Review status: criteria provided, single submitter. Criteria: ACMG Guidelines, 2015. Collection method: clinical testing. Allele origin: germline. Inheritance: Autosomal dominant inheritance. Affected: yes.
Comment: Based on the classification scheme VCGS_Germline_v1.3.4, this variant is classified as Pathogenic. Following criteria are met: 0103 - Dominant negative, loss of function and gain of function are known mechanisms of disease in this gene. Gain of function variants result exclusively in short QT syndrome (MIM#609621), while dominant negative and loss of function variants can cause long QT syndrome (LQTS, MIM#192500), atrial fibrillation (MIM#607554) and Jervell and Lange-Nielsen syndrome (JLNS, MIM#220400) (OMIM, PMIDs: 19632626, 28438721). (I) 0108 - This gene is known to be associated with both recessive and dominant disease. JLNS is characterized by congenital, bilateral deafness and variable degrees of QT prolongation, and is the only condition caused by biallelic variants (PMID: 28438721). (I) 0112 - The condition associated with this gene has incomplete penetrance (OMIM, PMID: 20301308). (I) 0200 - Variant is predicted to result in a missense amino acid change from arginine to leucine. (I) 0251 - This variant is heterozygous. (I) 0302 - Variant is present in gnomAD (v2) <0.001 for a condition (1 heterozygote, 0 homozygotes). (SP) 0309 - An alternative amino acid change at the same position has been observed in gnomAD (v3) (highest allele: 3 heterozygotes, 0 homozygotes). (I) 0501 - Missense variant consistently predicted to be damaging by multiple in silico tools or highly conserved with a major amino acid change. (SP) 0600 - Variant is located in the annotated ion transporter domain (DECIPHER) in the S2-S3 intracellular linker region. (I) 0701 - Other missense variants comparable to the one identified in this case have very strong previous evidence for pathogenicity. Two alternative changes (p.Arg190Gln, p.Arg190Trp) have been reported as pathogenic in heterozygous individuals with long QT syndrome (LQTS), or homozygous individuals with Jervell and Lange-Nielsen syndrome (JLNS) (ClinVar). (SP) 0801 - This variant has strong previous evidence of pathogenicity in unrelated individuals. This variant has been reported in multiple heterozygous individuals with LQTS, or homozygous individuals with JLNS (ClinVar, PMID: 19716085, 20138589). (SP) 1002 - This variant has moderate functional evidence supporting abnormal protein function. Fuctional study has demonstrated that this variant impairs PIP2 regulation of the potassium channel (PMID: 24947509). (SP) 1208 - Inheritance information for this variant is not currently available in this individual. (I) Legend: (SP) - Supporting pathogenic, (I) - Information, (SB) - Supporting benign

Blueprint Genetics
Classification: Pathogenic for KCNQ1-related disorders. Last evaluated: 2021-07-08. Review status: criteria provided, single submitter. Criteria: ACMG Guidelines, 2015. Collection method: clinical testing. Allele origin: germline. Affected: yes. Observed: 3 variant alleles.

Laboratory for Molecular Medicine, Mass General Brigham Personalized Medicine
Classification: Likely pathogenic for Familial long QT syndrome. Last evaluated: 2019-03-22. Review status: criteria provided, single submitter. Criteria: ACMG Guidelines, 2015. Collection method: clinical testing. Allele origin: germline.
Comment: The p.Arg190Leu variant in KCNQ1 has been reported in 1 individual referred for LQTS genetic testing (Kapplinger 2009). Their heterozygous parents were clinically unaffected, but both had prolonged QT interval during a stress test (Kanovsky 2010). It has also been identified in 1/113014 European chromosomes by gnomAD and has been reported in ClinVar (Variation ID # 67084). In vitro functional studies and computational tools support an impact on protein function (Eckey 2014)). In addition, two other variants involving this codon (p.Arg190Gln and p.Arg190Trp) have been identified in individuals with LQTS. In summary, although additional studies are required to fully establish its clinical significance, this variant meets criteria to be classified as likely pathogenic for autosomal dominant LQTS. ACMG/AMP criteria applied: PM2, PM5, PP3, PS3_Supporting, PS4_Supporting.

MVZ Martinsried, Medicover Genetics
Classification: Pathogenic for Long QT syndrome 1. Last evaluated: 2018-04-04. Review status: criteria provided, single submitter. Criteria: ACMG Guidelines, 2015. Collection method: clinical testing. Allele origin: unknown. Affected: yes.

GeneDx
Classification: Pathogenic. Last evaluated: 2017-11-07. Review status: criteria provided, single submitter. Criteria: GeneDx Variant Classification (06012015). Collection method: clinical testing. Allele origin: germline. Affected: yes.
Comment: The R190L pathogenic variant in the KCNQ1 gene has been reported multiple times in association with LQTS (Kapplinger et al., 2009; Kanovsky et al., 2010; Andrsova et al., 2012; Crehalet et al., 2012; Wang et al., 2015). Kanovsky et al. (2010) identified the R190L variant on both KCNQ1 alleles in two siblings with severe LQTS, one of whom had sub-clinical, bilateral hearing impairment that the authors termed incomplete" Jervell Lange-Nielsen syndrome. In the same study, the heterozygous parents of these two siblings had normal QT intervals at rest, but each parent had QT prolongation during stress testing (Kanovsky et al., 2010). Additionally, Wang et al. (2015) identified R190L in conjunction with variants in the MYH7, MYLK2, and TMEM70 genes among four individuals in a Chinese family with overlapping phenotypes of LQTS and hypertrophic cardiomyopathy. R190L was not observed in approximately 6,500 individuals of European and African American ancestry in the NHLBI Exome Sequencing Project, and was not observed with any significant frequency in the Exome Aggregation Consortium (ExAC) data set. The R190L variant is a non-conservative amino acid substitution, which is likely to impact secondary protein structure as these residues differ in polarity, charge, size and/or other properties. Moreover, this substitution occurs at a position that is conserved across species, and in silico analysis predicts this variant is probably damaging to the protein structure/function. Functional studies conducted by Eckey et al. (2014) demonstrated that R190L impairs phosphatidylinositol 4,5-bisphosphate (PIP2) regulation of ion channels, presumptively leading to ion channel dysfunction and LQTS phenotype. Finally, missense pathogenic variants in nearby residues, as well as in the same residue (G186S, R190W, R190Q) have been reported in the Human Gene Mutation Database in association with LQTS (Stenson et al., 2014), further supporting the functional importance of this region of the protein."

Cardiovascular Biomedical Research Unit, Royal Brompton & Harefield NHS Foundation Trust
No classification provided. Condition: Familial long QT syndrome. Review status: no classification provided. Collection method: literature only. Allele origin: germline. Not counted in ClinVar's aggregate classification.
Comment: This variant has been reported as associated with Long QT syndrome in the following publications (PMID:19716085;PMID:20138589). This is a literature report, and does not necessarily reflect the clinical interpretation of the Imperial College / Royal Brompton Cardiovascular Genetics laboratory.

Literature cited by the submitters: PubMed 19716085 (cited by 7 submitters); PubMed 20138589 (cited by 7 submitters); PubMed 31737537 (cited by Labcorp Genetics (formerly Invitae), Labcorp and Mayo Clinic Laboratories, Mayo Clinic); PubMed 32383558 (cited by 3 submitters); PubMed 24947509 (cited by 6 submitters); PubMed 8528244 (cited by Labcorp Genetics (formerly Invitae), Labcorp); PubMed 10376919 (cited by Labcorp Genetics (formerly Invitae), Labcorp); PubMed 10728423 (cited by Labcorp Genetics (formerly Invitae), Labcorp); PubMed 20660394 (cited by Labcorp Genetics (formerly Invitae), Labcorp); PubMed 37937776 (cited by Mayo Clinic Laboratories, Mayo Clinic); PubMed 19632626 (cited by Victorian Clinical Genetics Services, Murdoch Childrens Research Institute); PubMed 20301308 (cited by Victorian Clinical Genetics Services, Murdoch Childrens Research Institute); PubMed 28438721 (cited by Victorian Clinical Genetics Services, Murdoch Childrens Research Institute); PubMed 22727609 (cited by Laboratory for Molecular Medicine, Mass General Brigham Personalized Medicine); PubMed 22581653 (cited by Cardiovascular Biomedical Research Unit, Royal Brompton & Harefield NHS Foundation Trust).